The following is an entry in ClinVar:

NM_003839.4(TNFRSF11A):c.394G>A (p.Glu132Lys)

Gene: TNFRSF11A (TNF receptor superfamily member 11a; plus strand). Cytogenetic location: 18q21.33.
Variant type: single nucleotide variant.
Coding change: c.394G>A on transcript NM_003839.4 (MANE Select); coding-DNA position 394, G replaced by A.
Protein change: p.Glu132Lys; replaces glutamic acid 132 with lysine.
Molecular consequence: missense variant.
Genome position (GRCh38, 1-based): chr18:62,354,501, G>A. VCF-style: chr18-62354501-G-A. GRCh37 (hg19) VCF-style: chr18-60021734-G-A.
Other names: c.394G>A, p.Glu132Lys (NM_001270949.2, NM_001270950.2, NM_001270951.2 and 1 more transcripts); short protein forms E132K.
Identifiers: ClinVar variation 327727 (VCV000327727.9), dbSNP rs867372893, ClinGen allele CA10642016.

ClinVar aggregate classification (germline): Uncertain significance. Review status: criteria provided, multiple submitters, no conflicts (2 of 4 stars). 3 submissions from 2 submitters: Uncertain significance (3). Last evaluated 2025-10-06.

Conditions:
Autosomal recessive osteopetrosis 7. Identifiers: Orphanet 178389, MedGen C2676766, MONDO:0012859, OMIM 612301.
Paget disease of bone 2, early-onset (PDB2). Also called: Paget disease of bone 2. Identifiers: MedGen C4085251, MONDO:0011183, OMIM 602080.

Allele frequency attached by ClinVar (database versions not stated): TOPMed 0.00001.
gnomAD v4.1: 3 of 1,602,440 alleles (0.00019%); highest among the groups gnomAD compares: Non-Finnish European, 0.00025%; no homozygotes.

Submissions (3):

Labcorp Genetics (formerly Invitae), Labcorp
Classification: Uncertain significance. Last evaluated: 2025-10-06. Review status: criteria provided, single submitter. Criteria: Invitae Variant Classification Sherloc (09022015). Collection method: clinical testing. Allele origin: germline.
Comment: This sequence change replaces glutamic acid, which is acidic and polar, with lysine, which is basic and polar, at codon 132 of the TNFRSF11A protein (p.Glu132Lys). This variant is not present in population databases (gnomAD no frequency). This variant has not been reported in the literature in individuals affected with TNFRSF11A-related conditions. ClinVar contains an entry for this variant (Variation ID: 327727). Invitae Evidence Modeling of protein sequence and biophysical properties (such as structural, functional, and spatial information, amino acid conservation, physicochemical variation, residue mobility, and thermodynamic stability) indicates that this missense variant is not expected to disrupt TNFRSF11A protein function with a negative predictive value of 80%. Algorithms developed to predict the effect of sequence changes on RNA splicing suggest that this variant may create or strengthen a splice site. In summary, the available evidence is currently insufficient to determine the role of this variant in disease. Therefore, it has been classified as a Variant of Uncertain Significance.

Illumina Laboratory Services, Illumina
Classification: Uncertain significance for Autosomal recessive osteopetrosis 7. Last evaluated: 2018-01-13. Review status: criteria provided, single submitter. Criteria: ICSL Variant Classification Criteria 13 December 2019. Collection method: clinical testing. Allele origin: germline.

Illumina Laboratory Services, Illumina
Classification: Uncertain significance for Paget disease of bone 2, early-onset. Last evaluated: 2018-01-13. Review status: criteria provided, single submitter. Criteria: ICSL Variant Classification Criteria 13 December 2019. Collection method: clinical testing. Allele origin: germline.